The following is an entry in ClinVar:

NM_000868.4(HTR2C):c.349G>A (p.Asp117Asn)

Gene: HTR2C (5-hydroxytryptamine receptor 2C; plus strand). Cytogenetic location: Xq23.
Variant type: single nucleotide variant.
Coding change: c.349G>A on transcript NM_000868.4 (MANE Select); coding-DNA position 349, G replaced by A.
Protein change: p.Asp117Asn; replaces aspartic acid 117 with asparagine.
Molecular consequence: missense variant.
Genome position (GRCh38, 1-based): chrX:114,731,607, G>A. VCF-style: chrX-114731607-G-A. GRCh37 (hg19) VCF-style: chrX-113966016-G-A.
Other names: c.349G>A, p.Asp117Asn (NM_001256760.3, NM_001256761.3); short protein forms D117N.
Identifiers: ClinVar variation 4997377 (VCV004997377.1).
Genomic context (GRCh38, chrX:114,731,607, plus strand): 5'-ATTGCTGATATGCTAGTGGGACTACTTGTCATGCCCCTGTCTCTCCTGGCAATCCTTTAT[G>A]GTAAGTACAATTTTATTCACTTTTCAATCTCGTATAATGTCATAAATTTGTGTCATAGTA-3'
Protein context (NP_000859.2, residues 107-127): MPLSLLAILY[Asp117Asn]YVWPLPRYLC

ClinVar aggregate classification (germline): Uncertain significance (1 of 4 stars; one submission).

Conditions:
HTR2C-related disorder. Also called: HTR2C-related condition.

gnomAD v4.1: 3 of 1,153,575 alleles (0.00026%); highest among the groups gnomAD compares: South Asian, 0.0057%; no homozygotes.

Submission:

PreventionGenetics, part of Exact Sciences
Classification: Uncertain significance for HTR2C-related condition. Last evaluated: 2025-09-10. Review status: criteria provided, single submitter. Criteria: ACMG Guidelines, 2015. Collection method: clinical testing. Allele origin: germline.
Comment: The HTR2C c.349G>A variant is predicted to result in the amino acid substitution p.Asp117Asn. To our knowledge, this variant has not been reported in the literature. This variant is reported in 0.0068% of alleles in individuals of South Asian descent in gnomAD. At this time, the clinical significance of this variant is uncertain due to the absence of conclusive functional and genetic evidence.